The following is an entry in ClinVar:

NM_014444.5(TUBGCP4):c.594C>T (p.Asp198=)

Gene: TUBGCP4 (tubulin gamma complex component 4; plus strand). Cytogenetic location: 15q15.3.
Variant type: single nucleotide variant.
Coding change: c.594C>T on transcript NM_014444.5 (MANE Select); coding-DNA position 594, C replaced by T.
Protein change: p.Asp198=; no amino-acid change (aspartic acid 198 retained).
Molecular consequence: synonymous variant.
Genome position (GRCh38, 1-based): chr15:43,383,375, C>T. VCF-style: chr15-43383375-C-T. GRCh37 (hg19) VCF-style: chr15-43675573-C-T.
Other names: c.594C>T, p.Asp198= (NM_001286414.3).
Identifiers: ClinVar variation 1155389 (VCV001155389.16), dbSNP rs752223414, ClinGen allele CA7523829.

ClinVar aggregate classification (germline): Likely benign. Review status: criteria provided, multiple submitters, no conflicts (2 of 4 stars). 3 submissions from 3 submitters: Likely benign (3). Last evaluated 2025-10-01.

Allele frequency attached by ClinVar (database versions not stated): ExAC 0.00001; gnomAD exomes 0.00001 and 0.00002; TOPMed 0.00002.
gnomAD v4.1: 16 of 1,614,116 alleles (0.00099%); highest among the groups gnomAD compares: Non-Finnish European, 0.0013%; no homozygotes.

Submissions (3):

CeGaT Center for Human Genetics Tuebingen
Classification: Likely benign. Last evaluated: 2025-10-01. Review status: criteria provided, single submitter. Criteria: CeGaT Center For Human Genetics Tuebingen Variant Classification Criteria Version 2. Collection method: clinical testing. Allele origin: germline. Affected: yes. Observed: 1 variant allele.
Comment: TUBGCP4: BP4, BP7

Blueprint Genetics
Classification: Likely benign. Last evaluated: 2024-10-01. Review status: criteria provided, single submitter. Criteria: ACMG Guidelines, 2015. Collection method: clinical testing. Allele origin: germline.

Labcorp Genetics (formerly Invitae), Labcorp
Classification: Likely benign. Last evaluated: 2022-12-02. Review status: criteria provided, single submitter. Criteria: Invitae Variant Classification Sherloc (09022015). Collection method: clinical testing. Allele origin: germline.